The following is an entry in ClinVar:

ClinVar aggregate classification (germline): Uncertain significance. Review status: criteria provided, multiple submitters, no conflicts (2 of 4 stars). 3 submissions from 3 submitters: Uncertain significance (3). Last evaluated 2025-01-15.

Conditions:
KRT14-related disorder. Also called: KRT14-related condition.
Inborn genetic diseases. Identifiers: MedGen C0950123, MeSH D030342.

Submissions (3):

PreventionGenetics, part of Exact Sciences
Classification: Uncertain significance for KRT14-related condition. Last evaluated: 2025-01-15. Review status: criteria provided, single submitter. Criteria: ACMG Guidelines, 2015. Collection method: clinical testing. Allele origin: germline.
Comment: The KRT14 c.1346G>A variant is predicted to result in the amino acid substitution p.Arg449His. To our knowledge, this variant has not been reported in the literature. This variant is reported in 0.0042% of alleles in individuals of South Asian descent in gnomAD. At this time, the clinical significance of this variant is uncertain due to the absence of conclusive functional and genetic evidence.

Ambry Genetics
Classification: Uncertain significance for Inborn genetic diseases. Last evaluated: 2024-01-02. Review status: criteria provided, single submitter. Criteria: Ambry Variant Classification Scheme 2023. Collection method: clinical testing. Allele origin: germline.

Labcorp Genetics (formerly Invitae), Labcorp
Classification: Uncertain significance. Last evaluated: 2023-01-19. Review status: criteria provided, single submitter. Criteria: Invitae Variant Classification Sherloc (09022015). Collection method: clinical testing. Allele origin: germline.
Comment: In summary, the available evidence is currently insufficient to determine the role of this variant in disease. Therefore, it has been classified as a Variant of Uncertain Significance. Algorithms developed to predict the effect of missense changes on protein structure and function are either unavailable or do not agree on the potential impact of this missense change (SIFT: "Deleterious"; PolyPhen-2: "Benign"; Align-GVGD: "Class C0"). This variant has not been reported in the literature in individuals affected with KRT14-related conditions. The frequency data for this variant in the population databases is considered unreliable, as metrics indicate poor data quality at this position in the gnomAD database. This sequence change replaces arginine, which is basic and polar, with histidine, which is basic and polar, at codon 449 of the KRT14 protein (p.Arg449His).

NM_000526.5(KRT14):c.1346G>A (p.Arg449His)

Gene: KRT14 (keratin 14; minus strand). Cytogenetic location: 17q21.2.
Variant type: single nucleotide variant.
Coding change: c.1346G>A on transcript NM_000526.5 (MANE Select); coding-DNA position 1346, G replaced by A.
Protein change: p.Arg449His; replaces arginine 449 with histidine.
Molecular consequence: missense variant.
Genome position (GRCh38, 1-based): chr17:41,582,508, C>T on the plus strand (G>A on the coding strand, the complement: KRT14 is on the minus strand). VCF-style: chr17-41582508-C-T. GRCh37 (hg19) VCF-style: chr17-39738760-C-T.
Other names: c.1346G>A (NM_000526.4); short protein forms R449H.
Identifiers: ClinVar variation 3002448 (VCV003002448.5), dbSNP rs867293223, ClinGen allele CA290664562.